The following is an entry in ClinVar:

NM_021098.3(CACNA1H):c.3730G>A (p.Asp1244Asn)

Gene: CACNA1H (calcium voltage-gated channel subunit alpha1 H; plus strand). Cytogenetic location: 16p13.3.
Variant type: single nucleotide variant.
Coding change: c.3730G>A on transcript NM_021098.3 (MANE Select); coding-DNA position 3730, G replaced by A.
Protein change: p.Asp1244Asn; replaces aspartic acid 1244 with asparagine.
Molecular consequence: missense variant.
Genome position (GRCh38, 1-based): chr16:1,209,398, G>A. VCF-style: chr16-1209398-G-A. GRCh37 (hg19) VCF-style: chr16-1259398-G-A.
Other names: c.3730G>A, p.Asp1244Asn (NM_001005407.2); short protein forms D1244N.
Identifiers: ClinVar variation 1152875 (VCV001152875.10), dbSNP rs372126787, ClinGen allele CA7800874.

ClinVar aggregate classification (germline): Conflicting classifications of pathogenicity. Review status: criteria provided, conflicting classifications (1 of 4 stars). 2 submissions from 2 submitters: Uncertain significance (1); Likely benign (1). Last evaluated 2024-07-11.

Conditions:
Idiopathic generalized epilepsy. Also called: EIG; Generalised epilepsy. Identifiers: MedGen C0270850, MONDO:0005579, OMIM 600669.
Hyperaldosteronism, familial, type IV (HALD4). Also called: FH IV; ALDOSTERONISM, PRIMARY, AND HYPERTENSION. Identifiers: Orphanet 642671, MedGen C4310756, MONDO:0014875, OMIM 617027.

Allele frequency attached by ClinVar (database versions not stated): gnomAD exomes 0.00002 and 0.00010; TOPMed 0.00003; gnomAD 0.00004; ExAC 0.00013.
gnomAD v4.1: 40 of 1,597,646 alleles (0.0025%); highest among the groups gnomAD compares: East Asian, 0.025%; no homozygotes.

Submissions (2):

Labcorp Genetics (formerly Invitae), Labcorp
Classification: Likely benign for Idiopathic generalized epilepsy; Hyperaldosteronism, familial, type IV. Last evaluated: 2024-07-11. Review status: criteria provided, single submitter. Criteria: Invitae Variant Classification Sherloc (09022015). Collection method: clinical testing. Allele origin: germline.

GeneDx
Classification: Uncertain significance. Last evaluated: 2019-05-18. Review status: criteria provided, single submitter. Criteria: GeneDx Variant Classification Process June 2021. Collection method: clinical testing. Allele origin: germline. Affected: yes.
Comment: In silico analysis, which includes protein predictors and evolutionary conservation, supports a deleterious effect; Has not been previously published as pathogenic or benign to our knowledge